The following is an entry in ClinVar:

NM_001844.5(COL2A1):c.3106C>G (p.Arg1036Gly)

Gene: COL2A1 (collagen type II alpha 1 chain; minus strand). Cytogenetic location: 12q13.11.
Variant type: single nucleotide variant.
Coding change: c.3106C>G on transcript NM_001844.5 (MANE Select); coding-DNA position 3106, C replaced by G.
Protein change: p.Arg1036Gly; replaces arginine 1036 with glycine.
Molecular consequence: missense variant.
Genome position (GRCh38, 1-based): chr12:47,978,015, G>C on the plus strand (C>G on the coding strand, the complement: COL2A1 is on the minus strand). VCF-style: chr12-47978015-G-C. GRCh37 (hg19) VCF-style: chr12-48371798-G-C.
Other names: c.2899C>G, p.Arg967Gly (NM_033150.3); short protein forms R1036G, R967G.
Identifiers: ClinVar variation 852875 (VCV000852875.14), dbSNP rs748459670, ClinGen allele CA6534899.
Genomic context (GRCh38, chr12:47,978,015, plus strand): 5'-ACTCACAGGGCCCCTCTCCCCAATCAGGGCCACCCCAGGGGGTCTCACTGCTCACCTCTC[G>C]TCCAGGTTCACCTGCAGGACCCGTCAGGCCAGGAGGACCCACGGGGCCAGGAGGACCTCT-3'
Protein context (NP_001835.3, residues 1026-1046): GLTGPAGEPG[Arg1036Gly]EGSPGADGPP

ClinVar aggregate classification (germline): Conflicting classifications of pathogenicity. Review status: criteria provided, conflicting classifications (1 of 4 stars). 5 submissions from 5 submitters: Uncertain significance (3); Likely benign (2). Last evaluated 2026-03-24.

Conditions:
COL2A1-related disorder. Also called: COL2A1-related condition; COL2A1-related disorders.

Allele frequency attached by ClinVar (database versions not stated): gnomAD 0.00001; TOPMed 0.00001.
gnomAD v4.1: 44 of 1,613,156 alleles (0.0027%); highest among the groups gnomAD compares: Non-Finnish European, 0.0036%; 3 homozygotes.

Submissions (5):

PreventionGenetics, part of Exact Sciences
Classification: Uncertain significance for COL2A1-related condition. Last evaluated: 2026-03-24. Review status: criteria provided, single submitter. Criteria: ACMG Guidelines, 2015. Collection method: clinical testing. Allele origin: germline.
Comment: The COL2A1 c.3106C>G variant is predicted to result in the amino acid substitution p.Arg1036Gly. This variant has been reported in an individual with short stature (Plachy et al. 2019. PubMed ID: 30753492). This variant is present in 0.0062% of alleles in individuals of European (Non-Finnish) descent in gnomAD. At this time, the clinical significance of this variant is uncertain due to the absence of conclusive functional and genetic evidence.

Labcorp Genetics (formerly Invitae), Labcorp
Classification: Likely benign. Last evaluated: 2025-10-12. Review status: criteria provided, single submitter. Criteria: Invitae Variant Classification Sherloc (09022015). Collection method: clinical testing. Allele origin: germline.

Blueprint Genetics
Classification: Likely benign. Last evaluated: 2024-11-13. Review status: criteria provided, single submitter. Criteria: ACMG Guidelines, 2015. Collection method: clinical testing. Allele origin: germline.

Clinical Genetics Laboratory, Skane University Hospital Lund
Classification: Uncertain significance. Last evaluated: 2022-10-28. Review status: criteria provided, single submitter. Criteria: ACMG Guidelines, 2015. Collection method: clinical testing. Allele origin: germline. Affected: yes.

GeneDx
Classification: Uncertain significance. Last evaluated: 2019-11-05. Review status: criteria provided, single submitter. Criteria: GeneDx Variant Classification Process June 2021. Collection method: clinical testing. Allele origin: germline. Affected: yes.
Comment: In silico analysis, which includes protein predictors and evolutionary conservation, supports a deleterious effect; This variant is associated with the following publications: (PMID: 30753492)